The following is an entry in ClinVar:

ClinVar aggregate classification (germline): Pathogenic. Review status: criteria provided, multiple submitters, no conflicts (2 of 4 stars). 2 submissions from 2 submitters: Pathogenic (2). Last evaluated 2024-01-22.

Conditions:
Hereditary cancer-predisposing syndrome. Also called: Neoplastic Syndromes, Hereditary; Tumor predisposition; Hereditary neoplastic syndrome; Hereditary Cancer Syndrome. Identifiers: Orphanet 140162, MedGen C0027672, MeSH D009386, MONDO:0015356.

Allele frequency attached by ClinVar (database versions not stated): gnomAD exomes below 0.00001.
gnomAD v4.1: 1 of 1,613,514 alleles (0.000062%); highest among the groups gnomAD compares: Non-Finnish European, 0.000085%; no homozygotes.

Submissions (2):

Ambry Genetics
Classification: Pathogenic for Hereditary cancer-predisposing syndrome. Last evaluated: 2024-01-22. Review status: criteria provided, single submitter. Criteria: Ambry Variant Classification Scheme 2023. Collection method: clinical testing. Allele origin: germline.
Comment: The p.P192L variant (also known as c.575C>T), located in coding exon 5 of the FH gene, results from a C to T substitution at nucleotide position 575. The proline at codon 192 is replaced by leucine, an amino acid with similar properties. This alteration was previously identified to co-segregate with disease in one Spanish family with multiple cutaneous and uterine leiomyomata syndrome (MCL), and has been identified in several additional families with with features consistent with hereditary leiomyomatosis and renal cell cancer (Ambry internal data; Chuang GS et al. J. Am. Acad. Dermatol., 2005 Mar;52:410-6; S&aacute;nchez-Heras AB et al. Cancers (Basel), 2020 Nov;12:; Forde C et al. Eur Urol Oncol, 2020 Dec;3:764-772). This variant is located near the substrate-binding motif of fumarate hydratase, in a region with many other reported pathogenic alterations. Based on structural analysis, several of these nearby alterations are predicted to be less destabilizing than p.P192L (Ambry internal data; Toro JR et al. Am. J. Hum. Genet., 2003 Jul;73:95-106; Chuang GS et al. J. Am. Acad. Dermatol., 2005 Mar;52:410-6; Ajalla Aleixo MA et al. FEBS J., 2019 May;286:1925-1940). This amino acid position is highly conserved in available vertebrate species. This variant is considered to be rare based on population cohorts in the Genome Aggregation Database (gnomAD). In addition, this alteration is predicted to be deleterious by in silico analysis. Based on the supporting evidence, this alteration is interpreted as a disease-causing mutation.

Labcorp Genetics (formerly Invitae), Labcorp
Classification: Pathogenic. Last evaluated: 2023-08-03. Review status: criteria provided, single submitter. Criteria: Invitae Variant Classification Sherloc (09022015). Collection method: clinical testing. Allele origin: germline.
Comment: ClinVar contains an entry for this variant (Variation ID: 825947). Advanced modeling of protein sequence and biophysical properties (such as structural, functional, and spatial information, amino acid conservation, physicochemical variation, residue mobility, and thermodynamic stability) performed at Invitae indicates that this missense variant is expected to disrupt FH protein function. For these reasons, this variant has been classified as Pathogenic. This variant is also known as p.Pro149Leu. This sequence change replaces proline, which is neutral and non-polar, with leucine, which is neutral and non-polar, at codon 192 of the FH protein (p.Pro192Leu). This variant is not present in population databases (gnomAD no frequency). This missense change has been observed in individuals with uterine leiomyomas, cutaneous leiomyomas and/or renal cell carcinoma (PMID: 15761418, 31831373; Invitae). It has also been observed to segregate with disease in related individuals.

Literature cited by the submitters: PubMed 12772087 (cited by Ambry Genetics); PubMed 15761418 (cited by Ambry Genetics and Labcorp Genetics (formerly Invitae), Labcorp); PubMed 30761759 (cited by Ambry Genetics); PubMed 31831373 (cited by Ambry Genetics and Labcorp Genetics (formerly Invitae), Labcorp); PubMed 33167498 (cited by Ambry Genetics).

NM_000143.4(FH):c.575C>T (p.Pro192Leu)

Gene: FH (fumarate hydratase; minus strand). Cytogenetic location: 1q43.
Variant type: single nucleotide variant.
Coding change: c.575C>T on transcript NM_000143.4 (MANE Select); coding-DNA position 575, C replaced by T.
Protein change: p.Pro192Leu; replaces proline 192 with leucine.
Molecular consequence: missense variant.
Genome position (GRCh38, 1-based): chr1:241,508,766, G>A on the plus strand (C>T on the coding strand, the complement: FH is on the minus strand). VCF-style: chr1-241508766-G-A. GRCh37 (hg19) VCF-style: chr1-241672066-G-A.
Other names: short protein forms P192L.
Identifiers: ClinVar variation 825947 (VCV000825947.12), dbSNP rs1573883342, ClinGen allele CA345439467.